The following is an entry in ClinVar:

ClinVar aggregate classification (germline): Conflicting classifications of pathogenicity. Review status: criteria provided, conflicting classifications (1 of 4 stars). 12 submissions from 12 submitters: Pathogenic (2); Likely pathogenic (6); Uncertain significance (2). 2 of the submissions do not count toward it. Last evaluated 2026-01-29.

Conditions:
Hb SS disease (SCD). Also called: Hemoglobin SS; Sickle cell anemia; Sickle cell disease; HbS disease; Hemoglobin S Disease; Sickling disorder due to hemoglobin S. Identifiers: Orphanet 232, Orphanet 275752, MedGen C0002895, MONDO:0011382, OMIM 603903.
Heinz body anemia. Also called: Heinz body hemolytic anemia. Identifiers: Orphanet 178330, MedGen C0700299, MONDO:0007705, OMIM 140700, HP:0005511.
Dominant beta-thalassemia. Also called: Beta-thalassemia, dominant inclusion body type. Identifiers: Orphanet 231226, Orphanet 848, MedGen C1858990, MONDO:0011381, OMIM 603902.
Beta-thalassemia HBB/LCRB. Identifiers: MedGen CN322236, MONDO:0013517, OMIM 613985.
Erythrocytosis, familial, 6. Also called: POLYCYTHEMIA, BETA-GLOBIN TYPE; ERYTHROCYTOSIS, BETA-GLOBIN TYPE. Identifiers: MedGen C4693822, MONDO:0054801, OMIM 617980.
METHEMOGLOBINEMIA, BETA TYPE. Also called: Methemoglobinemia, beta-globin type. Identifiers: MedGen C1840779, OMIM 617971.
Malaria, susceptibility to. Identifiers: Orphanet 673, MedGen C1970028, MONDO:0021024, OMIM 611162.
Hereditary persistence of fetal hemoglobin. Identifiers: MedGen C0019025, MONDO:0020989, OMIM 141749.
HBB-related disorder. Also called: HBB-related disorders; HBB-related condition. Identifiers: MedGen CN239378.
Hemoglobinopathy. Also called: Haemoglobinopathies; Hemoglobin disorder. Identifiers: MedGen C0019045, MONDO:0044348.
beta Thalassemia (BTHAL). Also called: Cooley's anemia; Erythroblastic anemia; Mediterranean anemia. Identifiers: Orphanet 848, MedGen C0005283, MONDO:0019402. Disease mechanism: loss of function.
HEMOGLOBIN LA DESIRADE.

Allele frequency attached by ClinVar (database versions not stated): gnomAD exomes 0.00001 and 0.00002; TOPMed 0.00007; 1000 Genomes Project 0.00020; ExAC 0.00002; gnomAD 0.00007; ESP Exome Variant Server 0.00008; 1000 Genomes Project 30x 0.00016.
gnomAD v4.1: 20 of 1,613,962 alleles (0.0012%); highest among the groups gnomAD compares: African/African-American, 0.021%; no homozygotes.

Submissions 1 to 5 of 12:

GeneDx
Classification: Likely pathogenic. Last evaluated: 2026-01-29. Review status: criteria provided, single submitter. Criteria: GeneDx Variant Classification Process June 2021. Collection method: clinical testing. Allele origin: germline.
Comment: Also known as Hb La Desirade; Published functional studies demonstrate a decreased oxygen affinity and normal heme-heme interactions (PMID: 3557994, 33489049); In silico analysis supports that this missense variant has a deleterious effect on protein structure/function; This variant is associated with the following publications: (PMID: 25677748, 37845805, 33489049, 17932132, 3557994, 39528227, 27670359, 26635043, 20437613, 32411010, 24652967, 15727901, 21423179, 26594346, 30626236, 29365076, 31553106)

Natera, Inc.
Classification: Likely pathogenic for Beta thalassemia. Last evaluated: 2025-12-05. Review status: criteria provided, single submitter. Criteria: Natera Variant Classification Schema (03/2026). Collection method: clinical testing. Allele origin: germline.
Comment: The c.389C>T variant in HBB is a missense variant predicted to cause substitution of alanine to valine at amino acid 130. This variant is rare in the general population with a frequency below the threshold expected for the associated phenotype(s). This variant has been observed in one or more individuals affected with the associated recessive disease, as either homozygous or compound heterozygous with a second variant (PMID: 11373853, 33489049). A different variant at the same position has been determined to be Pathogenic or Likely Pathogenic. Computational prediction algorithms indicate this variant is likely to affect gene or protein function. Given the available evidence, this variant is classified as Likely Pathogenic.

PreventionGenetics, part of Exact Sciences
Classification: Likely pathogenic for HBB-related condition. Last evaluated: 2025-11-06. Review status: criteria provided, single submitter. Criteria: ACMG Guidelines, 2015. Collection method: clinical testing. Allele origin: germline.
Comment: The HBB c.389C>T variant is predicted to result in the amino acid substitution p.Ala130Val. This variant, also known as "Hb La Désirade" or p.Ala129Val, has been reported in multiple families where individuals with a mild sickle cell anemia (SCA) phenotype were shown to be compound heterozygous for p.Ala130Val and the Hb S (c.20A>T, p.Glu7Val) allele (Family B in Merault et al. 1986. PubMed ID: 3557994; Alkindi et al. 2021. PubMed ID: 33489049). This variant has also been reported in the compound heterozygous state in three asymptomatic members of an additional family who either had a loss-of-function (β0-thal) variant or the Hb C (c.19G>A, p.Glu7Lys) allele in trans (Family P in Merault et al. 1986. PubMed ID: 3557994). Yet another reported family had two siblings (1 unaffected, 1 affected) who were compound heterozygous for p.Ala130Val and the HbE (c.79G>A, p.Glu27Lys) allele (Kamseng et al. 2017. PubMed ID: 27670359); of note, their father (same study) was compound heterozygous for p.Ala130Val and the Hb Louisville (c.127T>C, p.Phe43Leu) allele and presented with low oxygen saturation, pancytopenia, and acute hemolytic anemia. Functional studies of the p.Ala130Val variant showed results consistent with reduced oxygen affinity and protein instability (Merault et al. 1986. PubMed ID: 3557994). This variant is reported in 0.024% of alleles in individuals of African descent in gnomAD and has conflicting interpretations in ClinVar ranging from uncertain to pathogenic (Variation ID: 15245). In summary, the p.Ala130Val (Hb La Désirade) variant is interpreted as likely pathogenic, although the observed phenotype may range from asymptomatic to mild beta thalassemia depending upon on the identity of the Hb allele on the opposite chromosome.

Women's Health and Genetics/Laboratory Corporation of America, LabCorp
Classification: Likely pathogenic for Hemoglobinopathy. Last evaluated: 2025-07-14. Review status: criteria provided, single submitter. Criteria: LabCorp Variant Classification Summary - May 2015. Collection method: clinical testing. Allele origin: germline.
Comment: Variant summary: HBB c.389C>T (p.Ala130Val), also referred to in the literature as Hb La Desirade, results in a non-conservative amino acid change in the encoded protein sequence. Algorithms developed to predict the effect of missense changes on protein structure and function all suggest that this variant is likely to be disruptive. The variant allele was found at a frequency of 2e-05 in 251302 control chromosomes. c.389C>T has been observed in asymptomatic carriers (Alkindi_2021) and in compound heterozygosity with HbS (c.20A>T (p.Glu7Val)) in multiple individuals who were affected with mild sickle cell anemia (Merault_1986, Alkindi_2021). However, the variant has also been reported in compound heterozygosity with HbC (c.19G>A (p.Glu7Lys)), and HbE (c.79G>A (p.Glu27Lys)), in clinically asymptomatic individuals (Merault_1986, Kamseng_2017). To our knowledge, no homozygous occurrence has been reported, however, the variant was found together with a beta-0-thal variant in a clinically asymptomatic individual, who had elevated reticulocyte count (Merault_1986). These data indicate that the variant may be associated with a milder disease phenotype, which is dependent on the variant in trans. At least one publication reported experimental evidence indicating that the variant results in a mild decrease in oxygen affinity and precipitation during the isopropanol test, suggestive of an unstable hemoglobin (Merault 1986). The following publications have been ascertained in the context of this evaluation (PMID: 20437613, 33489049, 32411010, 25677748, 26635043, 27670359, 15727901, 17932132, 3557994, 22995479, 26594346, 37845805, 31553106, 35143361). ClinVar contains an entry for this variant (Variation ID: 15245). Based on the evidence outlined above, the variant was classified as likely pathogenic.

Quest Diagnostics Nichols Institute San Juan Capistrano
Classification: Uncertain significance. Last evaluated: 2025-07-09. Review status: criteria provided, single submitter. Criteria: Quest Diagnostics criteria. Collection method: clinical testing. Allele origin: unknown.
Comment: The HBB c.389C>T (p.Ala130Val) variant (also known as Hb La Desirade) has been reported in the published literature in heterozygous individuals with a normal clinical presentation (HbVar, PMID: 33489049 (2021)). Compound heterozygosity of this variant with Hb E (HBB c.79G>A (p.Glu27Lys)) or Hb C (HBB c.19G>A (p.Glu7Lys)) also present as clinically asymptomatic (PMIDs: 27670359 (2017), 3557994 (1986)). Individuals carrying this variant and Hb S (HBB c.20A>T (p.Glu7Val)) have clinical presentations ranging from asymptomatic to mild microcytic anemia (PMIDs: 33489049 (2021), 3557994 (1986)). Functional studies indicate that this variant is unstable with decreased oxygen affinity (PMIDs: 3557994 (1986), 31553106 (2020)). The frequency of this variant in the general population (Genome Aggregation Database) is uninformative in the assessment of its pathogenicity. Based on the available information, we are unable to determine the clinical significance of this variant.

NM_000518.5(HBB):c.389C>T (p.Ala130Val)

Genes: HBB (hemoglobin subunit beta; minus strand), LOC107133510 (origin of replication at HBB; plus strand), LOC110006319 (beta-globin gene 3' regulatory region; plus strand). Cytogenetic location: 11p15.4.
Variant type: single nucleotide variant.
Coding change: c.389C>T on transcript NM_000518.5 (MANE Select); coding-DNA position 389, C replaced by T.
Protein change: p.Ala130Val; replaces alanine 130 with valine.
Molecular consequence: missense variant.
Genome position (GRCh38, 1-based): chr11:5,225,653, G>A on the plus strand (C>T on the coding strand, the complement: HBB is on the minus strand). VCF-style: chr11-5225653-G-A. GRCh37 (hg19) VCF-style: chr11-5246883-G-A.
Other names: A129V; short protein forms A130V.
Identifiers: ClinVar variation 15245 (VCV000015245.33), dbSNP rs111645889, ClinGen allele CA124993.